The following is an entry in ClinVar:

NM_006252.4(PRKAA2):c.939T>C (p.Ser313=)

Gene: PRKAA2 (protein kinase AMP-activated catalytic subunit alpha 2; plus strand). Cytogenetic location: 1p32.2.
Variant type: single nucleotide variant.
Coding change: c.939T>C on transcript NM_006252.4 (MANE Select); coding-DNA position 939, T replaced by C.
Protein change: p.Ser313=; no amino-acid change (serine 313 retained).
Molecular consequence: synonymous variant.
Genome position (GRCh38, 1-based): chr1:56,704,121, T>C. VCF-style: chr1-56704121-T-C. GRCh37 (hg19) VCF-style: chr1-57169794-T-C.
Identifiers: ClinVar variation 779398 (VCV000779398.5), dbSNP rs41285004, ClinGen allele CA873855.
Genomic context (GRCh38, chr1:56,704,121, plus strand): 5'-GAAAGAAGTGTGTGAAAAATTTGAATGTACAGAATCAGAAGTAATGAACAGTTTATATAG[T>C]GGTGACCCTCAAGACCAGCTTGCAGTGGCTTATCATCTTATCATTGACAATCGGAGAATA-3'
Protein context (NP_006243.2, residues 303-323): TESEVMNSLY[Ser313=]GDPQDQLAVA

ClinVar aggregate classification (germline): Benign. Review status: criteria provided, single submitter (1 of 4 stars). 2 submissions from 2 submitters: Benign (1). 1 of the submissions does not count toward it. Last evaluated 2018-07-20.

Conditions:
PRKAA2-related disorder. Also called: PRKAA2-related condition.

Allele frequency attached by ClinVar (database versions not stated): 1000 Genomes Project 0.00240; 1000 Genomes Project 30x 0.00250; TOPMed 0.00307; ExAC 0.00316; gnomAD exomes 0.00330 and 0.00432; ESP Exome Variant Server 0.00369; gnomAD 0.00375 and 0.00381.
gnomAD v4.1: 6,899 of 1,614,184 alleles (0.43%); highest among the groups gnomAD compares: Non-Finnish European, 0.49%; 25 homozygotes.

Submissions (2):

Labcorp Genetics (formerly Invitae), Labcorp
Classification: Benign. Last evaluated: 2018-07-20. Review status: criteria provided, single submitter. Criteria: Invitae Variant Classification Sherloc (09022015). Collection method: clinical testing. Allele origin: germline.

PreventionGenetics, part of Exact Sciences
Classification: Benign for PRKAA2-related condition. Last evaluated: 2019-06-12. Review status: no assertion criteria provided. Collection method: clinical testing. Allele origin: germline. Not counted in ClinVar's aggregate classification.
Comment: This variant is classified as benign based on ACMG/AMP sequence variant interpretation guidelines (Richards et al. 2015 PMID: 25741868, with internal and published modifications).